The following is an entry in ClinVar:

ClinVar aggregate classification (germline): Conflicting classifications of pathogenicity. Review status: criteria provided, conflicting classifications (1 of 4 stars). 4 submissions from 4 submitters: Uncertain significance (2); Likely benign (2). Last evaluated 2025-12-19.

Conditions:
Cardiovascular phenotype. Identifiers: MedGen CN230736.
Myofibrillar myopathy 5. Also called: Filaminopathy (type); FILAMINOPATHY, AUTOSOMAL DOMINANT. Identifiers: Orphanet 171445, MedGen C1836050, MONDO:0012289, OMIM 609524.
Hypertrophic cardiomyopathy 26. Also called: Cardiomyopathy, familial hypertrophic, 26. Identifiers: Orphanet 75249, MedGen C4310749, MONDO:0014883, OMIM 617047.
Distal myopathy with posterior leg and anterior hand involvement. Also called: WILLIAMS DISTAL MYOPATHY. Identifiers: Orphanet 63273, MedGen C3279722, MONDO:0013550, OMIM 614065.

Allele frequency attached by ClinVar (database versions not stated): ExAC 0.00001; gnomAD exomes 0.00001.
gnomAD v4.1: 9 of 1,613,860 alleles (0.00056%); highest among the groups gnomAD compares: Non-Finnish European, 0.00076%; no homozygotes.

Submissions (4):

Ambry Genetics
Classification: Uncertain significance for Cardiovascular phenotype. Last evaluated: 2025-12-19. Review status: criteria provided, single submitter. Criteria: Ambry Variant Classification Scheme 2023. Collection method: clinical testing. Allele origin: germline.
Comment: The c.7554C>T variant (also known as p.G2518G), located in coding exon 45 of the FLNC gene, results from a C to T substitution at nucleotide position 7554. This nucleotide substitution does not change the amino acid at codon 2518. This nucleotide position is not well conserved in available vertebrate species. In silico splice site analysis predicts that this alteration may result in the creation or strengthening of a novel splice donor site. Based on the available evidence, the clinical significance of this variant remains unclear.

Labcorp Genetics (formerly Invitae), Labcorp
Classification: Likely benign for Distal myopathy with posterior leg and anterior hand involvement; Myofibrillar myopathy 5; Hypertrophic cardiomyopathy 26. Last evaluated: 2025-02-02. Review status: criteria provided, single submitter. Criteria: Invitae Variant Classification Sherloc (09022015). Collection method: clinical testing. Allele origin: germline.

Blueprint Genetics
Classification: Likely benign. Last evaluated: 2023-03-07. Review status: criteria provided, single submitter. Criteria: ACMG Guidelines, 2015. Collection method: clinical testing. Allele origin: germline.

GeneDx
Classification: Uncertain significance. Last evaluated: 2021-03-31. Review status: criteria provided, single submitter. Criteria: GeneDx Variant Classification Process June 2021. Collection method: clinical testing. Allele origin: germline. Affected: yes.
Comment: Has not been previously reported as pathogenic or benign to our knowledge; Not observed at a significant frequency in large population cohorts (gnomAD); In silico splicing algorithms predict this variant results in the creation of a cryptic splice donor site upstream of the natural splice donor site for intron 45; however, in the absence of RNA/functional studies, the actual effect of this sequence change is unknown

NM_001458.5(FLNC):c.7554C>T (p.Gly2518=)

Genes: FLNC (filamin C; plus strand), FLNC-AS1 (FLNC antisense RNA 1; minus strand). Cytogenetic location: 7q32.1.
Variant type: single nucleotide variant.
Coding change: c.7554C>T on transcript NM_001458.5 (MANE Select); coding-DNA position 7554, C replaced by T.
Protein change: p.Gly2518=; no amino-acid change (glycine 2518 retained).
Molecular consequence: synonymous variant.
Genome position (GRCh38, 1-based): chr7:128,856,914, C>T. VCF-style: chr7-128856914-C-T. GRCh37 (hg19) VCF-style: chr7-128496968-C-T.
Other names: c.7455C>T, p.Gly2485= (NM_001127487.2).
Identifiers: ClinVar variation 1483028 (VCV001483028.10), dbSNP rs761216494, ClinGen allele CA4476291.